The following is an entry in ClinVar:

NM_004415.4(DSP):c.5305C>T (p.Leu1769=)

Gene: DSP (desmoplakin; plus strand). Cytogenetic location: 6p24.3.
Variant type: single nucleotide variant.
Coding change: c.5305C>T on transcript NM_004415.4 (MANE Select); coding-DNA position 5305, C replaced by T.
Protein change: p.Leu1769=; no amino-acid change (leucine 1769 retained).
Molecular consequence: synonymous variant. On other transcripts: intron variant (2).
Genome position (GRCh38, 1-based): chr6:7,581,495, C>T. VCF-style: chr6-7581495-C-T. GRCh37 (hg19) VCF-style: chr6-7581728-C-T.
Other names: c.4051-1147C>T (NM_001319034.2); c.3583-1147C>T (NM_001008844.3).
Identifiers: ClinVar variation 2561277 (VCV002561277.6), dbSNP rs946445410, ClinGen allele CA133970991.
Genomic context (GRCh38, chr6:7,581,495, plus strand): 5'-ATCTTGGAACTAAGGAGCCAGCTGCAGATCAGCAACAACCGGACCCTGGAACTGCAGGGG[C>T]TGATTAATGATTTACAGAGAGAGAGGGAAAATTTGAGACAGGAAATTGAGAAATTCCAAA-3'
Protein context (NP_004406.2, residues 1759-1779): SNNRTLELQG[Leu1769=]INDLQREREN

ClinVar aggregate classification (germline): Benign/Likely benign. Review status: criteria provided, multiple submitters, no conflicts (2 of 4 stars). 3 submissions from 3 submitters: Benign (1); Likely benign (2). Last evaluated 2025-10-01.

Conditions:
Cardiovascular phenotype. Identifiers: MedGen CN230736.
Arrhythmogenic cardiomyopathy with wooly hair and keratoderma. Also called: Dilated cardiomyopathy with woolly hair and keratoderma; PALMOPLANTAR KERATODERMA WITH LEFT VENTRICULAR CARDIOMYOPATHY AND WOOLLY HAIR; Carvajal syndrome; Arrhythmogenic cardiomyopathy with woolly hair and keratoderma. Identifiers: Orphanet 65282, MedGen C1854063, MONDO:0011581, OMIM 605676.
Arrhythmogenic right ventricular dysplasia 8 (ARVD8). Also called: Arrhythmogenic Right Ventricular Dysplasia/Cardiomyopathy 8; ARRHYTHMOGENIC RIGHT VENTRICULAR DYSPLASIA, FAMILIAL, 8; ARRHYTHMOGENIC RIGHT VENTRICULAR CARDIOMYOPATHY 8. Identifiers: MedGen C1843896, MONDO:0011831, OMIM 607450.

Allele frequency attached by ClinVar (database versions not stated): gnomAD exomes below 0.00001; TOPMed 0.00002.
gnomAD v4.1: 5 of 1,613,762 alleles (0.00031%); highest among the groups gnomAD compares: African/African-American, 0.0053%; no homozygotes.

Submissions (3):

Labcorp Genetics (formerly Invitae), Labcorp
Classification: Benign for Arrhythmogenic cardiomyopathy with wooly hair and keratoderma; Arrhythmogenic right ventricular dysplasia 8. Last evaluated: 2025-10-01. Review status: criteria provided, single submitter. Criteria: Invitae Variant Classification Sherloc (09022015). Collection method: clinical testing. Allele origin: germline.

All of Us Research Program, National Institutes of Health
Classification: Likely benign for Arrhythmogenic cardiomyopathy with wooly hair and keratoderma. Last evaluated: 2023-08-28. Review status: criteria provided, single submitter. Criteria: ACMG Guidelines, 2015. Collection method: clinical testing. Allele origin: germline. Inheritance: Autosomal dominant inheritance. Observed: 1 variant allele, 1 heterozygote.
Comment: This study involves interpretation of variants in research participants for the purpose of population health screening. Participant phenotype was not available at the time of variant classification. Additional details can be found in publication PMID: 35346344, PMCID: PMC8962531

Ambry Genetics
Classification: Likely benign for Cardiovascular phenotype. Last evaluated: 2023-06-03. Review status: criteria provided, single submitter. Criteria: Ambry Variant Classification Scheme 2023. Collection method: clinical testing. Allele origin: germline.